The following is an entry in ClinVar:

NM_002524.5(NRAS):c.562G>A (p.Val188Met)

Gene: NRAS (NRAS proto-oncogene, GTPase; minus strand). Cytogenetic location: 1p13.2.
Variant type: single nucleotide variant.
Coding change: c.562G>A on transcript NM_002524.5 (MANE Select); coding-DNA position 562, G replaced by A.
Protein change: p.Val188Met; replaces valine 188 with methionine.
Molecular consequence: missense variant.
Genome position (GRCh38, 1-based): chr1:114,708,543, C>T on the plus strand (G>A on the coding strand, the complement: NRAS is on the minus strand). VCF-style: chr1-114708543-C-T. GRCh37 (hg19) VCF-style: chr1-115251164-C-T.
Other names: c.562G>A (NM_002524.3, NM_002524.4); short protein forms V188M.
Identifiers: ClinVar variation 180717 (VCV000180717.7), dbSNP rs730880381, ClinGen allele CA235304.

ClinVar aggregate classification (germline): Uncertain significance. Review status: criteria provided, multiple submitters, no conflicts (2 of 4 stars). 4 submissions from 4 submitters: Uncertain significance (3). 1 of the submissions does not count toward it. Last evaluated 2026-05-20.

Conditions:
NRAS-related disorder. Also called: NRAS-related condition.
RASopathy. Also called: Noonan spectrum disorder; rasopathies. Identifiers: Orphanet 536391, MedGen C5555857, MONDO:0021060.

Allele frequency attached by ClinVar (database versions not stated): gnomAD 0.00002; TOPMed 0.00002.

Submissions (4):

PreventionGenetics, part of Exact Sciences
Classification: Uncertain significance for NRAS-related condition. Last evaluated: 2026-05-20. Review status: criteria provided, single submitter. Criteria: ACMG Guidelines, 2015. Collection method: clinical testing. Allele origin: germline.
Comment: The NRAS c.562G>A variant is predicted to result in the amino acid substitution p.Val188Met. To our knowledge, this variant has not been reported in the literature. This variant is reported in 0.011% of alleles in individuals of African descent in gnomAD. At this time, the clinical significance of this variant is uncertain due to the absence of conclusive functional and genetic evidence.

Labcorp Genetics (formerly Invitae), Labcorp
Classification: Uncertain significance for RASopathy. Last evaluated: 2025-08-18. Review status: criteria provided, single submitter. Criteria: Invitae Variant Classification Sherloc (09022015). Collection method: clinical testing. Allele origin: germline.
Comment: This sequence change replaces valine, which is neutral and non-polar, with methionine, which is neutral and non-polar, at codon 188 of the NRAS protein (p.Val188Met). This variant is present in population databases (rs730880381, gnomAD 0.01%). This variant has not been reported in the literature in individuals affected with NRAS-related conditions. ClinVar contains an entry for this variant (Variation ID: 180717). Invitae Evidence Modeling of protein sequence and biophysical properties (such as structural, functional, and spatial information, amino acid conservation, physicochemical variation, residue mobility, and thermodynamic stability) indicates that this missense variant is not expected to disrupt NRAS protein function with a negative predictive value of 95%. In summary, the available evidence is currently insufficient to determine the role of this variant in disease. Therefore, it has been classified as a Variant of Uncertain Significance.

GeneDx
Classification: Uncertain significance. Last evaluated: 2023-04-25. Review status: criteria provided, single submitter. Criteria: GeneDx Variant Classification Process June 2021. Collection method: clinical testing. Allele origin: germline. Affected: yes.
Comment: Has not been previously published as pathogenic or benign to our knowledge; Missense variants in this gene are often considered pathogenic (HGMD); In silico analysis supports that this missense variant does not alter protein structure/function

Greenwood Genetic Center Diagnostic Laboratories, Greenwood Genetic Center
Classification: Uncertain significance. Last evaluated: 2015-01-15. Review status: no assertion criteria provided. Collection method: clinical testing. Allele origin: germline. Not counted in ClinVar's aggregate classification.